The following is an entry in ClinVar:

ClinVar aggregate classification (germline): Pathogenic. Review status: reviewed by expert panel (3 of 4 stars). 9 submissions from 9 submitters: Pathogenic (1). 8 of the submissions do not count toward it. Last evaluated 2016-09-08.

Conditions:
Breast-ovarian cancer, familial, susceptibility to, 2 (BROVCA2). Also called: BRCA2 Hereditary Breast and Ovarian Cancer. Identifiers: Orphanet 145, MedGen C2675520, MONDO:0012933, OMIM 612555. Disease mechanism: loss of function.
Hereditary cancer-predisposing syndrome. Also called: Tumor predisposition; Hereditary neoplastic syndrome; Hereditary Cancer Syndrome; Neoplastic Syndromes, Hereditary. Identifiers: Orphanet 140162, MedGen C0027672, MeSH D009386, MONDO:0015356.
Hereditary breast ovarian cancer syndrome. Also called: Hereditary breast and/or ovarian cancer syndrome; Breast and ovarian cancer; Hereditary breast and ovarian cancer; Hereditary breast and ovarian cancer syndrome; Hereditary breast and ovarian cancer syndrome (HBOC); BRCA1- and BRCA2-Associated Hereditary Breast and Ovarian Cancer. Identifiers: Orphanet 145, MedGen C0677776, MeSH D061325, MONDO:0003582. Disease mechanism: loss of function.
Familial cancer of breast. Also called: BREAST CANCER, FAMILIAL; Hereditary breast cancer; hereditary breast carcinoma. Identifiers: Orphanet 227535, MedGen C0346153, MONDO:0016419, OMIM 114480. Disease mechanism: loss of function.

Submissions (9):

Evidence-based Network for the Interpretation of Germline Mutant Alleles (ENIGMA)
Classification: Pathogenic for Breast-ovarian cancer, familial, susceptibility to, 2. Last evaluated: 2016-09-08. Review status: reviewed by expert panel. Criteria: ENIGMA BRCA1/2 Classification Criteria (2015). Collection method: curation. Allele origin: germline.
Comment: Variant allele predicted to encode a truncated non-functional protein.

Ambry Genetics
Classification: Pathogenic for Hereditary cancer-predisposing syndrome. Last evaluated: 2025-09-26. Review status: criteria provided, single submitter. Criteria: Ambry Variant Classification Scheme 2023. Collection method: clinical testing. Allele origin: germline. Not counted in ClinVar's aggregate classification.
Comment: The c.6361_6362delGA pathogenic mutation, located in coding exon 10 of the BRCA2 gene, results from a deletion of two nucleotides at nucleotide positions 6361 to 6362, causing a translational frameshift with a predicted alternate stop codon (p.E2121Nfs*7). This alteration is expected to result in loss of function by premature protein truncation or nonsense-mediated mRNA decay. As such, this alteration is interpreted as a disease-causing mutation.

GeneDx
Classification: Pathogenic. Last evaluated: 2025-01-08. Review status: criteria provided, single submitter. Criteria: GeneDx Variant Classification Process June 2021. Collection method: clinical testing. Allele origin: germline. Not counted in ClinVar's aggregate classification.
Comment: Not observed at significant frequency in large population cohorts (gnomAD); Observed in individuals with BRCA2-related cancers (PMID: 29483665, 25072261); Truncating variants in this gene are considered pathogenic by a well-established clinical consortium and/or database; Also known as 6589_6590del and 6589delAG; Frameshift variant predicted to result in protein truncation or nonsense mediated decay in a gene for which loss of function is a known mechanism of disease; This variant is associated with the following publications: (PMID: 29483665, 29936257, 25072261)

Labcorp Genetics (formerly Invitae), Labcorp
Classification: Pathogenic for Hereditary breast ovarian cancer syndrome. Last evaluated: 2024-04-29. Review status: criteria provided, single submitter. Criteria: Invitae Variant Classification Sherloc (09022015). Collection method: clinical testing. Allele origin: germline. Not counted in ClinVar's aggregate classification.
Comment: This sequence change creates a premature translational stop signal (p.Glu2121Asnfs*7) in the BRCA2 gene. It is expected to result in an absent or disrupted protein product. Loss-of-function variants in BRCA2 are known to be pathogenic (PMID: 20104584). This variant is not present in population databases (gnomAD no frequency). This premature translational stop signal has been observed in individual(s) with pancreatic cancer and personal or family history of hereditary breast and/or ovarian cancer and in an individual with pancreatic cancer (PMID: 25072261, 29483665). This variant is also known as 6589delAG. ClinVar contains an entry for this variant (Variation ID: 254579). For these reasons, this variant has been classified as Pathogenic.

Baylor Genetics
Classification: Pathogenic for Familial cancer of breast. Last evaluated: 2023-02-05. Review status: criteria provided, single submitter. Criteria: ACMG Guidelines, 2015. Collection method: clinical testing. Allele origin: unknown. Not counted in ClinVar's aggregate classification.

Color Diagnostics, LLC DBA Color Health
Classification: Pathogenic for Hereditary cancer-predisposing syndrome. Last evaluated: 2022-02-17. Review status: criteria provided, single submitter. Criteria: ACMG Guidelines, 2015. Collection method: clinical testing. Allele origin: germline. Not counted in ClinVar's aggregate classification.
Comment: This variant deletes 2 nucleotides in exon 11 of the BRCA2 gene, creating a frameshift and premature translation stop signal. This variant is expected to result in an absent or non-functional protein product. This variant is also known as 6589delAG based on Breast Cancer Information Core (BIC) nomenclature. This variant has been reported in an individual affected with ovarian cancer, an individual affected with pancreatic cancer, and in several individuals from high-risk hereditary breast and ovarian cancer families (PMID: 25072261, 29483665, 29936257). This variant has not been identified in the general population by the Genome Aggregation Database (gnomAD). Loss of BRCA2 function is a known mechanism of disease. Based on the available evidence, this variant is classified as Pathogenic.

Women's Health and Genetics/Laboratory Corporation of America, LabCorp
Classification: Pathogenic for Hereditary breast and ovarian cancer syndrome. Last evaluated: 2019-05-03. Review status: criteria provided, single submitter. Criteria: LabCorp Variant Classification Summary - May 2015. Collection method: clinical testing. Allele origin: germline. Not counted in ClinVar's aggregate classification.
Comment: Variant summary: BRCA2 c.6361_6362delGA (p.Glu2121AsnfsX7) results in a premature termination codon, predicted to cause a truncation of the encoded protein or absence of the protein due to nonsense mediated decay, which are commonly known mechanisms for disease. Truncations downstream of this position have been classified as pathogenic by our laboratory. The variant was absent in 242600 control chromosomes. c.6361_6362delGA has been reported in the literature in individuals affected with Hereditary Breast and Ovarian Cancer (Golan_2014, de-Jonge_2018, Teixeira_2018). These data indicate that the variant is likely to be associated with disease. To our knowledge, no experimental evidence demonstrating an impact on protein function has been reported. One clinical diagnostic laboratory and one expert panel have submitted clinical-significance assessments for this variant to ClinVar after 2014 without evidence for independent evaluation. Both submitters have classified the variant as pathogenic. Based on the evidence outlined above, the variant was classified as pathogenic.

Consortium of Investigators of Modifiers of BRCA1/2 (CIMBA), c/o University of Cambridge
Classification: Pathogenic for Breast-ovarian cancer, familial, susceptibility to, 2. Last evaluated: 2015-10-02. Review status: criteria provided, single submitter. Criteria: CIMBA Mutation Classification guidelines May 2016. Collection method: clinical testing. Allele origin: germline. Not counted in ClinVar's aggregate classification.

Research Molecular Genetics Laboratory, Women's College Hospital, University of Toronto
Classification: Pathogenic for Hereditary breast ovarian cancer syndrome. Last evaluated: 2014-01-31. Review status: no assertion criteria provided. Collection method: research. Allele origin: germline. Affected: yes. Study: The Canadian Open Genetics Repository (COGR). Not counted in ClinVar's aggregate classification.

Literature cited by the submitters: PubMed 29446198 (cited by Ambry Genetics); PubMed 29483665 (cited by 4 submitters); PubMed 29936257 (cited by 3 submitters); PubMed 20104584 (cited by Labcorp Genetics (formerly Invitae), Labcorp); PubMed 25072261 (cited by 3 submitters).

NM_000059.4(BRCA2):c.6361_6362del (p.Glu2121fs)

Gene: BRCA2 (BRCA2 DNA repair associated; plus strand). Cytogenetic location: 13q13.1.
Variant type: Deletion.
Coding change: c.6361_6362del on transcript NM_000059.4 (MANE Select); coding-DNA positions 6361 to 6362, 2 bases deleted (GA; older notation c.6361_6362delGA).
Protein change: p.Glu2121fs; shifts the reading frame from glutamic acid 2121.
Molecular consequence: frameshift variant.
Genome position (GRCh38, 1-based): chr13:32,340,716-32,340,717, GA deleted; deleting any 2 consecutive bases within chr13:32,340,715-32,340,717 gives the same sequence; the c. name uses the placement nearest the transcript's 3' end. VCF-style (leftmost placement, unchanged base first): chr13-32340714-CAG-C. GRCh37 (hg19) VCF-style: chr13-32914851-CAG-C.
Other names: c.6361_6362delGA (NM_000059.3).
Identifiers: ClinVar variation 254579 (VCV000254579.25), dbSNP rs886038144, ClinGen allele CA10586555.